The following is an entry in ClinVar:

NM_194248.3(OTOF):c.4819C>T (p.Arg1607Trp)

Gene: OTOF (otoferlin; minus strand). Cytogenetic location: 2p23.3.
Variant type: single nucleotide variant.
Coding change: c.4819C>T on transcript NM_194248.3 (MANE Select); coding-DNA position 4819, C replaced by T.
Protein change: p.Arg1607Trp; replaces arginine 1607 with tryptophan.
Molecular consequence: missense variant.
Genome position (GRCh38, 1-based): chr2:26,465,010, G>A on the plus strand (C>T on the coding strand, the complement: OTOF is on the minus strand). VCF-style: chr2-26465010-G-A. GRCh37 (hg19) VCF-style: chr2-26687878-G-A.
Other names: c.4819C>T, p.Arg1607Trp (NM_001287489.2); c.2518C>T, p.Arg840Trp (NM_004802.4, NM_194323.3); c.2749C>T, p.Arg917Trp (NM_194322.3); short protein forms R1607W, R917W, R840W.
Identifiers: ClinVar variation 65806 (VCV000065806.5), dbSNP rs397515603, ClinGen allele CA345129.
Genomic context (GRCh38, chr2:26,465,010, plus strand): 5'-CGTCCACTTTGCCGTCTTTGCAGAGGCGGGTCAGGATCTGGCTGGGCTTCATGGGGTCCC[G>A]CCAGATATTGTAGCCATGTCTGTGGGAGGGGACACACAGGCTTGGAGGGGCTGGGTGGGA-3'
Protein context (NP_919224.1, residues 1597-1617): TYSTHGYNIW[Arg1607Trp]DPMKPSQILT

ClinVar aggregate classification (germline): Likely pathogenic. Review status: criteria provided, single submitter (1 of 4 stars). 3 submissions from 3 submitters: Likely pathogenic (1). 2 of the submissions do not count toward it. Last evaluated 2025-04-01.

Conditions:
Autosomal recessive nonsyndromic hearing loss 9. Also called: OTOF-Related Hearing Loss; Deafness, autosomal recessive 9; NEUROSENSORY NONSYNDROMIC RECESSIVE DEAFNESS 9; AUDITORY NEUROPATHY, AUTOSOMAL RECESSIVE, 1, TEMPERATURE-SENSITIVE. Identifiers: Orphanet 90636, MedGen C1832828, MONDO:0010986, OMIM 601071.

Allele frequency attached by ClinVar (database versions not stated): gnomAD exomes below 0.00001 and 0.00001; ExAC 0.00001; gnomAD 0.00001; TOPMed 0.00001.
gnomAD v4.1: 8 of 1,488,182 alleles (0.00054%); highest among the groups gnomAD compares: African/African-American, 0.0029%; no homozygotes.

Submissions (3):

GeneDx
Classification: Likely pathogenic. Last evaluated: 2025-04-01. Review status: criteria provided, single submitter. Criteria: GeneDx Variant Classification Process June 2021. Collection method: clinical testing. Allele origin: germline. Affected: yes.
Comment: Not observed at significant frequency in large population cohorts (gnomAD); In silico analysis supports that this missense variant has a deleterious effect on protein structure/function; This variant is associated with the following publications: (PMID: 20504331, 26188103, 26818607, 34536124, 26778470, 33256196)

Diagnosis and Treatment Center of Genetic Hearing Loss, Eye & ENT Hospital of Fudan University
Classification: Likely pathogenic for Autosomal recessive nonsyndromic hearing loss 9. Last evaluated: 2026-02-04. Review status: no assertion criteria provided. Collection method: clinical testing. Allele origin: germline. Inheritance: Autosomal recessive inheritance. Affected: yes. Not counted in ClinVar's aggregate classification.
Comment: The c.4819C>T missense variant in OTOF has a population frequency of 0.00000576 (PM2_Supporting). The REVEL score is 0.746 (PP3_Moderate). The phenotype is consistent (PP4).

GeneReviews
No classification provided. Condition: Autosomal recessive nonsyndromic hearing loss 9. Review status: no classification provided. Collection method: literature only. Allele origin: germline. Affected: yes. Not counted in ClinVar's aggregate classification.

Literature cited by the submitters: PubMed 20504331 (cited by GeneReviews); NCBI Bookshelf NBK1251 (cited by GeneReviews).